The following is an entry in ClinVar:

NM_020975.6(RET):c.1162G>A (p.Val388Ile)

Gene: RET (ret proto-oncogene; plus strand). Cytogenetic location: 10q11.21.
Variant type: single nucleotide variant.
Coding change: c.1162G>A on transcript NM_020975.6 (MANE Select); coding-DNA position 1162, G replaced by A.
Protein change: p.Val388Ile; replaces valine 388 with isoleucine.
Molecular consequence: missense variant.
Genome position (GRCh38, 1-based): chr10:43,109,129, G>A. VCF-style: chr10-43109129-G-A. GRCh37 (hg19) VCF-style: chr10-43604577-G-A.
Other names: p.Val388Ile; c.1162G>A, p.Val388Ile (NM_000323.2, NM_001406743.1, NM_001406744.1 and 6 more transcripts); c.400G>A, p.Val134Ile (NM_001355216.2); c.874G>A, p.Val292Ile (NM_001406770.1, NM_001406766.1, NM_001406767.1); c.724G>A, p.Val242Ile (NM_001406771.1, NM_001406773.1); c.436G>A, p.Val146Ile (NM_001406775.1, NM_001406776.1, NM_001406777.1 and 1 more transcripts); c.172G>A, p.Val58Ile (NM_001406784.1); c.1033G>A, p.Val345Ile (NM_001406761.1, NM_001406762.1, NM_001406764.1 and 1 more transcripts); short protein forms V388I, V134I, V146I, V58I, V242I, V292I, V345I.
Identifiers: ClinVar variation 299891 (VCV000299891.20), dbSNP rs776223166, ClinGen allele CA031971.

ClinVar aggregate classification (germline): Conflicting classifications of pathogenicity. Review status: criteria provided, conflicting classifications (1 of 4 stars). 11 submissions from 8 submitters: Uncertain significance (10); Likely benign (1). Last evaluated 2026-09-03.

Conditions:
RET-related disorder. Also called: RET-related condition; RET-related disease; RET-related disorders.
Pheochromocytoma. Also called: MAX-Related Hereditary Paraganglioma-Pheochromocytoma Syndrome. Identifiers: Orphanet 29072, MedGen C0031511, MONDO:0008233, OMIM 171300, HP:0002666.
Multiple endocrine neoplasia, type 2 (MEN2). Identifiers: Orphanet 653, MedGen C4048306, MONDO:0019003. Disease mechanism: gain of function.
Multiple endocrine neoplasia. Identifiers: Orphanet 276161, MedGen C0027662, MONDO:0017169.
Hirschsprung disease, susceptibility to, 1 (HSCR1). Also called: RET-Related Hirschsprung Disease. Identifiers: Orphanet 388, MedGen C3888239, MONDO:0007723, OMIM 142623.
Renal hypodysplasia/aplasia 1 (RHDA1). Also called: RENAL APLASIA; HEREDITARY RENAL APLASIA. Identifiers: Orphanet 411709, MedGen C1619700, MONDO:0024519, OMIM 191830.
Hereditary cancer-predisposing syndrome. Also called: Hereditary neoplastic syndrome; Tumor predisposition; Neoplastic Syndromes, Hereditary; Hereditary Cancer Syndrome. Identifiers: Orphanet 140162, MedGen C0027672, MeSH D009386, MONDO:0015356.

Allele frequency attached by ClinVar (database versions not stated): gnomAD 0.00001; gnomAD exomes 0.00001 and 0.00002; TOPMed 0.00001; ExAC 0.00002.
gnomAD v4.1: 19 of 1,613,780 alleles (0.0012%); highest among the groups gnomAD compares: South Asian, 0.0033%; no homozygotes.

Submissions (11):

PreventionGenetics, part of Exact Sciences
Classification: Uncertain significance for RET-related condition. Last evaluated: 2026-09-03. Review status: criteria provided, single submitter. Criteria: ACMG Guidelines, 2015. Collection method: clinical testing. Allele origin: germline.
Comment: The RET c.1162G>A variant is predicted to result in the amino acid substitution p.Val388Ile. To our knowledge, this variant has not been reported in the literature. This variant is reported in 0.0029% of alleles in individuals of Latino descent in gnomAD. At this time, the clinical significance of this variant is uncertain due to the absence of conclusive functional and genetic evidence.

Color Diagnostics, LLC DBA Color Health
Classification: Uncertain significance for Multiple endocrine neoplasia, type 2. Last evaluated: 2025-07-29. Review status: criteria provided, single submitter. Criteria: ACMG Guidelines, 2015. Collection method: clinical testing. Allele origin: germline.
Comment: This missense variant replaces valine with isoleucine at codon 388 of the RET protein. Computational prediction suggests that this variant may not impact protein structure and function. To our knowledge, functional studies have not been reported for this variant. This variant has not been reported in individuals affected with RET-related disorders in the literature. This variant has been identified in 4/250986 chromosomes in the general population by the Genome Aggregation Database (gnomAD). The available evidence is insufficient to determine the role of this variant in disease conclusively. Therefore, this variant is classified as a Variant of Uncertain Significance.

Labcorp Genetics (formerly Invitae), Labcorp
Classification: Uncertain significance for Multiple endocrine neoplasia, type 2. Last evaluated: 2025-01-30. Review status: criteria provided, single submitter. Criteria: Invitae Variant Classification Sherloc (09022015). Collection method: clinical testing. Allele origin: germline.
Comment: This sequence change replaces valine, which is neutral and non-polar, with isoleucine, which is neutral and non-polar, at codon 388 of the RET protein (p.Val388Ile). This variant is present in population databases (rs776223166, gnomAD 0.003%). This variant has not been reported in the literature in individuals affected with RET-related conditions. ClinVar contains an entry for this variant (Variation ID: 299891). An algorithm developed to predict the effect of missense changes on protein structure and function outputs the following: PolyPhen-2: "Benign". The isoleucine amino acid residue is found in multiple mammalian species, which suggests that this missense change does not adversely affect protein function. In summary, the available evidence is currently insufficient to determine the role of this variant in disease. Therefore, it has been classified as a Variant of Uncertain Significance.

Ambry Genetics
Classification: Likely benign for Hereditary cancer-predisposing syndrome. Last evaluated: 2023-11-13. Review status: criteria provided, single submitter. Criteria: Ambry Variant Classification Scheme 2023. Collection method: clinical testing. Allele origin: germline.

GeneDx
Classification: Uncertain significance. Last evaluated: 2023-10-16. Review status: criteria provided, single submitter. Criteria: GeneDx Variant Classification Process June 2021. Collection method: clinical testing. Allele origin: germline. Affected: yes.
Comment: Not observed at significant frequency in large population cohorts (gnomAD); In silico analysis supports that this missense variant does not alter protein structure/function; Has not been previously published as pathogenic or benign to our knowledge; This variant is associated with the following publications: (PMID: 14633923, Sahin2021[article])

All of Us Research Program, National Institutes of Health
Classification: Uncertain significance for Multiple endocrine neoplasia, type 2. Last evaluated: 2023-08-15. Review status: criteria provided, single submitter. Criteria: ACMG Guidelines, 2015. Collection method: clinical testing. Allele origin: germline. Inheritance: Autosomal dominant inheritance. Observed: 3 variant alleles, 3 heterozygotes.
Comment: This missense variant replaces valine with isoleucine at codon 388 of the RET protein. Computational prediction suggests that this variant may not impact protein structure and function (internally defined REVEL score threshold <= 0.5, PMID: 27666373). To our knowledge, functional studies have not been reported for this variant. This variant has not been reported in individuals affected with RET-related disorders in the literature. This variant has been identified in 4/250986 chromosomes in the general population by the Genome Aggregation Database (gnomAD). The available evidence is insufficient to determine the role of this variant in disease conclusively. Therefore, this variant is classified as a Variant of Uncertain Significance.

This study involves interpretation of variants in research participants for the purpose of population health screening. Participant phenotype was not available at the time of variant classification. Additional details can be found in publication PMID: 35346344, PMCID: PMC8962531

Mayo Clinic Laboratories, Mayo Clinic
Classification: Uncertain significance. Last evaluated: 2022-04-14. Review status: criteria provided, single submitter. Criteria: ACMG Guidelines, 2015. Collection method: clinical testing. Allele origin: germline. Observed: 1 variant allele.
Comment: BP4

Illumina Laboratory Services, Illumina
Classification: Uncertain significance for Pheochromocytoma. Last evaluated: 2018-01-13. Review status: criteria provided, single submitter. Criteria: ICSL Variant Classification Criteria 13 December 2019. Collection method: clinical testing. Allele origin: germline.

Illumina Laboratory Services, Illumina
Classification: Uncertain significance for Multiple endocrine neoplasia. Last evaluated: 2018-01-13. Review status: criteria provided, single submitter. Criteria: ICSL Variant Classification Criteria 13 December 2019. Collection method: clinical testing. Allele origin: germline.

Illumina Laboratory Services, Illumina
Classification: Uncertain significance for Renal hypodysplasia/aplasia 1. Last evaluated: 2018-01-13. Review status: criteria provided, single submitter. Criteria: ICSL Variant Classification Criteria 13 December 2019. Collection method: clinical testing. Allele origin: germline.

Illumina Laboratory Services, Illumina
Classification: Uncertain significance for Hirschsprung disease, susceptibility to, 1. Last evaluated: 2018-01-13. Review status: criteria provided, single submitter. Criteria: ICSL Variant Classification Criteria 13 December 2019. Collection method: clinical testing. Allele origin: germline.